The following is an entry in ClinVar:

ClinVar aggregate classification (germline): Likely benign (1 of 4 stars; one submission).

Conditions:
ATP6V1A-related disorder. Also called: ATP6V1A-related condition.

gnomAD v4.1: 7 of 1,613,584 alleles (0.00043%); highest among the groups gnomAD compares: African/African-American, 0.004%; no homozygotes.

Submission:

PreventionGenetics, part of Exact Sciences
Classification: Likely benign for ATP6V1A-related condition. Last evaluated: 2025-01-30. Review status: criteria provided, single submitter. Criteria: ACMG Guidelines, 2015. Collection method: clinical testing. Allele origin: germline.
Comment: This variant is classified as likely benign based on ACMG/AMP sequence variant interpretation guidelines (Richards et al. 2015 PMID: 25741868, with internal and published modifications).

NM_001690.4(ATP6V1A):c.148T>C (p.Leu50=)

Gene: ATP6V1A (ATPase H+ transporting V1 subunit A; plus strand). Cytogenetic location: 3q13.31.
Variant type: single nucleotide variant.
Coding change: c.148T>C on transcript NM_001690.4 (MANE Select); coding-DNA position 148, T replaced by C.
Protein change: p.Leu50=; no amino-acid change (leucine 50 retained).
Molecular consequence: synonymous variant.
Genome position (GRCh38, 1-based): chr3:113,781,115, T>C. VCF-style: chr3-113781115-T-C. GRCh37 (hg19) VCF-style: chr3-113499962-T-C.
Identifiers: ClinVar variation 4988070 (VCV004988070.1).